The following is an entry in ClinVar:

ClinVar aggregate classification (germline): Conflicting classifications of pathogenicity. Review status: criteria provided, conflicting classifications (1 of 4 stars). 2 submissions from 2 submitters: Likely pathogenic (1); Uncertain significance (1). Last evaluated 2024-12-31.

Conditions:
Loeys-Dietz syndrome 2 (LDS2). Also called: TGFBR2-Related Loeys-Dietz Syndrome; Marfan syndrome, type 2 (formerly); Marfan Syndrome type 2; Marfan like connective tissue disorder; MFS 2; AORTIC ANEURYSM, FAMILIAL THORACIC 3. Identifiers: Orphanet 284973, Orphanet 558, MedGen C2674574, MONDO:0012427, OMIM 610168.
Familial thoracic aortic aneurysm and aortic dissection (TAAD). Also called: Thoracic aortic aneurysms and dissections. Identifiers: Orphanet 91387, MedGen C4707243, MONDO:0019625.

Submissions (2):

3billion
Classification: Likely pathogenic for Loeys-Dietz syndrome 2. Last evaluated: 2024-12-31. Review status: criteria provided, single submitter. Criteria: ACMG Guidelines, 2015. Collection method: clinical testing. Allele origin: germline. Affected: yes.
Comment: The variant is not observed in the gnomAD v4.1.0 dataset. Predicted Consequence/Location: Missense variant. Missense changes are a common disease-causing mechanism. In silico tool predictions suggest damaging effect of the variant on gene or gene product [REVEL: 0.90 (>=0.6, sensitivity 0.68 and specificity 0.92)]. The variant has been observed in at least two similarly affected unrelated individuals (PMID: 27879313 /ClinVar: SCV001236578). Therefore, this variant is classified as Likely pathogenic according to the recommendation of ACMG/AMP guideline.

Labcorp Genetics (formerly Invitae), Labcorp
Classification: Uncertain significance for Familial thoracic aortic aneurysm and aortic dissection. Last evaluated: 2019-10-18. Review status: criteria provided, single submitter. Criteria: Invitae Variant Classification Sherloc (09022015). Collection method: clinical testing. Allele origin: germline.
Comment: In summary, the available evidence is currently insufficient to determine the role of this variant in disease. Therefore, it has been classified as a Variant of Uncertain Significance. Algorithms developed to predict the effect of missense changes on protein structure and function (SIFT, PolyPhen-2, Align-GVGD) all suggest that this variant is likely to be disruptive, but these predictions have not been confirmed by published functional studies and their clinical significance is uncertain. This variant has been observed in individuals with TGFBR2-related conditions (PMID: 27879313, Invitae). This variant is not present in population databases (ExAC no frequency). This sequence change replaces lysine with arginine at codon 381 of the TGFBR2 protein (p.Lys381Arg). The lysine residue is highly conserved and there is a small physicochemical difference between lysine and arginine.

Literature cited by the submitters: PubMed 27879313 (cited by 3billion and Labcorp Genetics (formerly Invitae), Labcorp).

NM_003242.6(TGFBR2):c.1142A>G (p.Lys381Arg)

Gene: TGFBR2 (transforming growth factor beta receptor 2; plus strand). Cytogenetic location: 3p24.1.
Variant type: single nucleotide variant.
Coding change: c.1142A>G on transcript NM_003242.6 (MANE Select); coding-DNA position 1142, A replaced by G.
Protein change: p.Lys381Arg; replaces lysine 381 with arginine.
Molecular consequence: missense variant.
Genome position (GRCh38, 1-based): chr3:30,672,325, A>G. VCF-style: chr3-30672325-A-G. GRCh37 (hg19) VCF-style: chr3-30713817-A-G.
Other names: c.1217A>G, p.Lys406Arg (NM_001024847.3); c.1325A>G, p.Lys442Arg (NM_001407126.1); c.1250A>G, p.Lys417Arg (NM_001407127.1); c.1169A>G, p.Lys390Arg (NM_001407128.1); c.1145A>G, p.Lys382Arg (NM_001407129.1); c.1142A>G, p.Lys381Arg (NM_001407130.1); c.1037A>G, p.Lys346Arg (NM_001407132.1, NM_001407133.1, NM_001407134.1 and 2 more transcripts); c.857A>G, p.Lys286Arg (NM_001407137.1); and 1 more; short protein forms K381R, K406R, K417R, K442R, K286R, K346R, K382R, K390R.
Identifiers: ClinVar variation 864164 (VCV000864164.8), dbSNP rs1699358560, ClinGen allele CA351808627.